The following is an entry in ClinVar:

ClinVar aggregate classification (germline): Uncertain significance. Review status: criteria provided, multiple submitters, no conflicts (2 of 4 stars). 7 submissions from 7 submitters: Uncertain significance (6). 1 of the submissions does not count toward it. Last evaluated 2026-04-16.

Conditions:
Cardiovascular phenotype. Identifiers: MedGen CN230736.
Hypertrophic cardiomyopathy. Also called: HYPERTROPHIC MYOCARDIOPATHY. Identifiers: Orphanet 217569, MedGen C0007194, MeSH D002312, MONDO:0005045, HP:0001639.
Cardiomyopathy (CMYO). Also called: Cardiomyopathies. Identifiers: Orphanet 167848, MedGen C0878544, MONDO:0004994, HP:0001638. Inheritance: Various modes of inheritance.
Dilated cardiomyopathy 1S (CMD1S). Identifiers: Orphanet 154, Orphanet 54260, MedGen C1834481, MONDO:0013262, OMIM 613426.

Allele frequency attached by ClinVar (database versions not stated): TOPMed 0.00001; gnomAD exomes below 0.00001; gnomAD 0.00002.
gnomAD v4.1: 7 of 1,600,986 alleles (0.00044%); highest among the groups gnomAD compares: Non-Finnish European, 0.0006%; no homozygotes.

Submissions (7):

Ambry Genetics
Classification: Uncertain significance for Cardiovascular phenotype. Last evaluated: 2026-04-16. Review status: criteria provided, single submitter. Criteria: Ambry Variant Classification Scheme 2023. Collection method: clinical testing. Allele origin: germline.
Comment: The p.Q1160R variant (also known as c.3479A>G), located in coding exon 25 of the MYH7 gene, results from an A to G substitution at nucleotide position 3479. The glutamine at codon 1160 is replaced by arginine, an amino acid with highly similar properties. This variant was reported in individual(s) with features consistent with hypertrophic cardiomyopathy (Berge KE et al. Clin Genet, 2014 Oct;86:355-60). This amino acid position is highly conserved in available vertebrate species. In addition, this alteration is predicted to be deleterious by in silico analysis. Based on the available evidence, the clinical significance of this variant remains unclear.

Mayo Clinic Laboratories, Mayo Clinic
Classification: Uncertain significance. Last evaluated: 2025-10-23. Review status: criteria provided, single submitter. Criteria: ACMG Guidelines, 2015. Collection method: clinical testing. Allele origin: germline. Observed: 1 variant allele.
Comment: PP3, PM2_supporting

Labcorp Genetics (formerly Invitae), Labcorp
Classification: Uncertain significance for Hypertrophic cardiomyopathy. Last evaluated: 2025-06-10. Review status: criteria provided, single submitter. Criteria: Invitae Variant Classification Sherloc (09022015). Collection method: clinical testing. Allele origin: germline.
Comment: This sequence change replaces glutamine, which is neutral and polar, with arginine, which is basic and polar, at codon 1160 of the MYH7 protein (p.Gln1160Arg). This variant is present in population databases (no rsID available, gnomAD 0.001%). This missense change has been observed in individual(s) with hypertrophic cardiomyopathy and sudden cardiac arrest (PMID: 24111713, 30403391). ClinVar contains an entry for this variant (Variation ID: 578660). Invitae Evidence Modeling of protein sequence and biophysical properties (such as structural, functional, and spatial information, amino acid conservation, physicochemical variation, residue mobility, and thermodynamic stability) indicates that this missense variant is expected to disrupt MYH7 protein function with a positive predictive value of 95%. In summary, the available evidence is currently insufficient to determine the role of this variant in disease. Therefore, it has been classified as a Variant of Uncertain Significance.

All of Us Research Program, National Institutes of Health
Classification: Uncertain significance for Cardiomyopathy. Last evaluated: 2024-09-23. Review status: criteria provided, single submitter. Criteria: ACMG Guidelines, 2015. Collection method: clinical testing. Allele origin: germline. Inheritance: Autosomal dominant inheritance. Observed: 7 variant alleles, 7 heterozygotes.
Comment: This missense variant replaces glutamine with arginine at codon 1160 of the MYH7 protein. Computational prediction suggests that this variant may have deleterious impact on protein structure and function (internally defined REVEL score threshold >= 0.7, PMID: 27666373). To our knowledge, functional studies have not been reported for this variant. This variant has been reported in an individual affected with hypertrophic cardiomyopathy (PMID: 24111713). This variant has been identified in 1/232242 chromosomes in the general population by the Genome Aggregation Database (gnomAD). The available evidence is insufficient to determine the role of this variant in disease conclusively. Therefore, this variant is classified as a Variant of Uncertain Significance.

This study involves interpretation of variants in research participants for the purpose of population health screening. Participant phenotype was not available at the time of variant classification. Additional details can be found in publication PMID: 35346344, PMCID: PMC8962531

Color Diagnostics, LLC DBA Color Health
Classification: Uncertain significance for Cardiomyopathy. Last evaluated: 2024-05-28. Review status: criteria provided, single submitter. Criteria: ACMG Guidelines, 2015. Collection method: clinical testing. Allele origin: germline.
Comment: This missense variant replaces glutamine with arginine at codon 1160 of the MYH7 protein. Computational prediction tools indicate that this variant has a deleterious impact on protein structure and function. To our knowledge, functional studies have not been reported for this variant. This variant has been reported in one individual affected with hypertrophic cardiomyopathy (PMID: 24111713). This variant has been identified in 1/232242 chromosomes in the general population by the Genome Aggregation Database (gnomAD). The available evidence is insufficient to determine the role of this variant in disease conclusively. Therefore, this variant is classified as a Variant of Uncertain Significance.

GeneDx
Classification: Uncertain significance. Last evaluated: 2022-09-12. Review status: criteria provided, single submitter. Criteria: GeneDx Variant Classification Process June 2021. Collection method: clinical testing. Allele origin: germline. Affected: yes.
Comment: Reported in patients with hypertrophic cardiomyopathy (HCM) referred for genetic testing at GeneDx and in published literature (Berge et al., 2014); Not observed at significant frequency in large population cohorts (gnomAD); In silico analysis supports that this missense variant has a deleterious effect on protein structure/function; This variant is associated with the following publications: (PMID: 30403391, 24111713, 34542152)

Zotz-Klimas Genetics Lab, MVZ Zotz Klimas
Classification: Uncertain significance for Dilated cardiomyopathy 1S. Last evaluated: 2023-10-30. Review status: no assertion criteria provided. Collection method: clinical testing. Allele origin: germline. Affected: yes. Not counted in ClinVar's aggregate classification.

Literature cited by the submitters: PubMed 24111713 (cited by 5 submitters); PubMed 30403391 (cited by Mayo Clinic Laboratories, Mayo Clinic and Labcorp Genetics (formerly Invitae), Labcorp); PubMed 35653365 (cited by Mayo Clinic Laboratories, Mayo Clinic).

NM_000257.4(MYH7):c.3479A>G (p.Gln1160Arg)

Gene: MYH7 (myosin heavy chain 7; minus strand). Cytogenetic location: 14q11.2.
Variant type: single nucleotide variant.
Coding change: c.3479A>G on transcript NM_000257.4 (MANE Select); coding-DNA position 3479, A replaced by G.
Protein change: p.Gln1160Arg; replaces glutamine 1160 with arginine.
Molecular consequence: missense variant.
Genome position (GRCh38, 1-based): chr14:23,420,092, T>C on the plus strand (A>G on the coding strand, the complement: MYH7 is on the minus strand). VCF-style: chr14-23420092-T-C. GRCh37 (hg19) VCF-style: chr14-23889301-T-C.
Other names: p.Gln1160Arg; short protein forms Q1160R.
Identifiers: ClinVar variation 578660 (VCV000578660.17), dbSNP rs1376667533, ClinGen allele CA389043761.